The following is an entry in ClinVar:

ClinVar aggregate classification (germline): Likely benign (1 of 4 stars; one submission).

gnomAD v4.1: 227 of 1,613,950 alleles (0.014%); highest among the groups gnomAD compares: Non-Finnish European, 0.018%; no homozygotes.

Submission:

CeGaT Center for Human Genetics Tuebingen
Classification: Likely benign. Last evaluated: 2025-05-01. Review status: criteria provided, single submitter. Criteria: CeGaT Center For Human Genetics Tuebingen Variant Classification Criteria Version 2. Collection method: clinical testing. Allele origin: germline. Affected: yes. Observed: 1 variant allele.
Comment: CLIP2: BP4, BP7

NM_003388.5(CLIP2):c.2019G>A (p.Leu673=)

Gene: CLIP2 (CAP-Gly domain containing linker protein 2; plus strand). Cytogenetic location: 7q11.23.
Variant type: single nucleotide variant.
Coding change: c.2019G>A on transcript NM_003388.5 (MANE Select); coding-DNA position 2019, G replaced by A.
Protein change: p.Leu673=; no amino-acid change (leucine 673 retained).
Molecular consequence: synonymous variant.
Genome position (GRCh38, 1-based): chr7:74,376,420, G>A. VCF-style: chr7-74376420-G-A. GRCh37 (hg19) VCF-style: chr7-73790750-G-A.
Other names: c.1914G>A, p.Leu638= (NM_032421.3).
Identifiers: ClinVar variation 3905023 (VCV003905023.10).
Genomic context (GRCh38, chr7:74,376,420, plus strand): 5'-GGAGGGCATCAAGATGGAGCACCAGCTGGAGCTGGGTAACTTGCAGGCCAAGCATGACCT[G>A]GAGACCGCCATGCACGTGAAGGAGAAGGAGGCCCTGCGAGAGAAGCTGCAGGAGGCCCAG-3'
Protein context (NP_003379.4, residues 663-683): ELGNLQAKHD[Leu673=]ETAMHVKEKE